The following is an entry in ClinVar:

ClinVar aggregate classification (germline): Uncertain significance (1 of 4 stars; one submission).

Conditions:
Hajdu-Cheney syndrome (HJCYS). Also called: SERPENTINE FIBULA-POLYCYSTIC KIDNEY SYNDROME; Acroosteolysis dominant type; ACROOSTEOLYSIS WITH OSTEOPOROSIS AND CHANGES IN SKULL AND MANDIBLE. Identifiers: Orphanet 955, MedGen C0917715, MONDO:0007057, OMIM 102500.

gnomAD v4.1: 9 of 1,614,056 alleles (0.00056%); highest among the groups gnomAD compares: Non-Finnish European, 0.00076%; no homozygotes.

Submission:

Labcorp Genetics (formerly Invitae), Labcorp
Classification: Uncertain significance for Hajdu-Cheney syndrome. Last evaluated: 2025-11-10. Review status: criteria provided, single submitter. Criteria: Invitae Variant Classification Sherloc (09022015). Collection method: clinical testing. Allele origin: germline.
Comment: This sequence change replaces glutamine, which is neutral and polar, with lysine, which is basic and polar, at codon 1557 of the NOTCH2 protein (p.Gln1557Lys). This variant is present in population databases (rs754438664, gnomAD 0.0009%). This variant has not been reported in the literature in individuals affected with NOTCH2-related conditions. Invitae Evidence Modeling of protein sequence and biophysical properties (such as structural, functional, and spatial information, amino acid conservation, physicochemical variation, residue mobility, and thermodynamic stability) indicates that this missense variant is not expected to disrupt NOTCH2 protein function with a negative predictive value of 80%. In summary, the available evidence is currently insufficient to determine the role of this variant in disease. Therefore, it has been classified as a Variant of Uncertain Significance.

NM_024408.4(NOTCH2):c.4669C>A (p.Gln1557Lys)

Gene: NOTCH2 (notch receptor 2; minus strand). Cytogenetic location: 1p12.
Variant type: single nucleotide variant.
Coding change: c.4669C>A on transcript NM_024408.4 (MANE Select); coding-DNA position 4669, C replaced by A.
Protein change: p.Gln1557Lys; replaces glutamine 1557 with lysine.
Molecular consequence: missense variant.
Genome position (GRCh38, 1-based): chr1:119,923,827, G>T on the plus strand (C>A on the coding strand, the complement: NOTCH2 is on the minus strand). VCF-style: chr1-119923827-G-T. GRCh37 (hg19) VCF-style: chr1-120466450-G-T.
Other names: short protein forms Q1557K.
Identifiers: ClinVar variation 4811786 (VCV004811786.1).
Genomic context (GRCh38, chr1:119,923,827, plus strand): 5'-GGTTGGTGTGGAGCAGGGTACCCAGTGCCCGCAAGAAGCTGCGAGCATCCTGGAGCAGTT[G>T]TTCAGGTGGCATCAATACCACAATAACCAGGGTACCTTCTGCCAGGTTCTCAGGTTGGTC-3'
Protein context (NP_077719.2, residues 1547-1567): LVIVVLMPPE[Gln1557Lys]LLQDARSFLR